The following is an entry in ClinVar:

ClinVar aggregate classification (germline): Uncertain significance (1 of 4 stars; one submission).

Conditions:
Cohen syndrome (COH1). Also called: PEPPER SYNDROME; Cutis verticis gyrata, retinitis pigmentosa, and sensorineural deafness. Identifiers: Orphanet 193, MedGen C0265223, MONDO:0008999, OMIM 216550.

Allele frequency attached by ClinVar (database versions not stated): gnomAD exomes below 0.00001.
gnomAD v4.1: 3 of 1,602,462 alleles (0.00019%); highest among the groups gnomAD compares: South Asian, 0.0011%; no homozygotes.

Submission:

Labcorp Genetics (formerly Invitae), Labcorp
Classification: Uncertain significance for Cohen syndrome. Last evaluated: 2024-02-24. Review status: criteria provided, single submitter. Criteria: Invitae Variant Classification Sherloc (09022015). Collection method: clinical testing. Allele origin: germline.
Comment: This sequence change replaces methionine, which is neutral and non-polar, with threonine, which is neutral and polar, at codon 249 of the VPS13B protein (p.Met249Thr). The frequency data for this variant in the population databases is considered unreliable, as metrics indicate poor data quality at this position in the gnomAD database. This variant has not been reported in the literature in individuals affected with VPS13B-related conditions. ClinVar contains an entry for this variant (Variation ID: 1488766). Advanced modeling of protein sequence and biophysical properties (such as structural, functional, and spatial information, amino acid conservation, physicochemical variation, residue mobility, and thermodynamic stability) performed at Invitae indicates that this missense variant is not expected to disrupt VPS13B protein function with a negative predictive value of 80%. In summary, the available evidence is currently insufficient to determine the role of this variant in disease. Therefore, it has been classified as a Variant of Uncertain Significance.

NM_152564.5(VPS13B):c.746T>C (p.Met249Thr)

Gene: VPS13B (vacuolar protein sorting 13 homolog B; plus strand). Cytogenetic location: 8q22.2.
Variant type: single nucleotide variant.
Coding change: c.746T>C on transcript NM_152564.5 (MANE Select); coding-DNA position 746, T replaced by C.
Protein change: p.Met249Thr; replaces methionine 249 with threonine.
Molecular consequence: missense variant. On other transcripts: non-coding transcript variant (1).
Genome position (GRCh38, 1-based): chr8:99,111,263, T>C. VCF-style: chr8-99111263-T-C. GRCh37 (hg19) VCF-style: chr8-100123491-T-C.
Other names: c.746T>C, p.Met249Thr (NM_015243.3, NM_017890.5, NM_181661.3); short protein forms M249T.
Identifiers: ClinVar variation 1488766 (VCV001488766.5), dbSNP rs1251254222, ClinGen allele CA371860294.